The following is an entry in ClinVar:

ClinVar aggregate classification (germline): Uncertain significance (1 of 4 stars; one submission).

Submission:

Labcorp Genetics (formerly Invitae), Labcorp
Classification: Uncertain significance. Last evaluated: 2024-10-10. Review status: criteria provided, single submitter. Criteria: Invitae Variant Classification Sherloc (09022015). Collection method: clinical testing. Allele origin: germline.
Comment: This sequence change creates a premature translational stop signal (p.Asn15Lysfs*13) in the LAMTOR2 gene. It is expected to result in an absent or disrupted protein product. However, the current clinical and genetic evidence is not sufficient to establish whether loss-of-function variants in LAMTOR2 cause disease. This variant is present in population databases (rs763602109, gnomAD 0.006%). This variant has not been reported in the literature in individuals affected with LAMTOR2-related conditions. In summary, the available evidence is currently insufficient to determine the role of this variant in disease. Therefore, it has been classified as a Variant of Uncertain Significance.

NM_014017.4(LAMTOR2):c.40_44dup (p.Asn15fs)

Gene: LAMTOR2 (late endosomal/lysosomal adaptor, MAPK and MTOR activator 2; plus strand). Cytogenetic location: 1q22.
Variant type: Microsatellite.
Coding change: c.40_44dup on transcript NM_014017.4 (MANE Select); coding-DNA positions 40 to 44, 5 bases duplicated (GCCAA; older notation c.40_44dupGCCAA).
Protein change: p.Asn15fs; shifts the reading frame from asparagine 15.
Molecular consequence: frameshift variant.
Genome position (GRCh38, 1-based): chr1:156,054,929-156,054,933, GCCAA duplicated; duplicating any 5 consecutive bases within chr1:156,054,922-156,054,933 gives the same sequence; the c. name uses the placement nearest the transcript's 3' end. VCF-style (leftmost placement, unchanged base first): chr1-156054921-T-TAAGCC. GRCh37 (hg19) VCF-style: chr1-156024712-T-TAAGCC.
Other names: c.40_44dup, p.Asn15fs (NM_001145264.2); short protein forms N15fs.
Identifiers: ClinVar variation 3722707 (VCV003722707.2).